The following is an entry in ClinVar:

ClinVar aggregate classification (germline): Conflicting classifications of pathogenicity. Review status: criteria provided, conflicting classifications (1 of 4 stars). 6 submissions from 6 submitters: Uncertain significance (1); Benign (1); Likely benign (3). 1 of the submissions does not count toward it. Last evaluated 2026-01-26.

Conditions:
ADAM9-related disorder. Also called: ADAM9-related condition.
Cone-rod dystrophy 9 (CORD9). Identifiers: Orphanet 1872, MedGen C1423873, MONDO:0013002, OMIM 612775.

Allele frequency attached by ClinVar (database versions not stated): 1000 Genomes Project 30x 0.00047; 1000 Genomes Project 0.00060; ExAC 0.00209; gnomAD exomes 0.00211 and 0.00424; ESP Exome Variant Server 0.00238; gnomAD 0.00250 and 0.00258; TOPMed 0.00253.
gnomAD v4.1: 6,517 of 1,613,312 alleles (0.4%); highest among the groups gnomAD compares: Non-Finnish European, 0.52%; 24 homozygotes.

Submissions (6):

Labcorp Genetics (formerly Invitae), Labcorp
Classification: Likely benign. Last evaluated: 2026-01-26. Review status: criteria provided, single submitter. Criteria: Invitae Variant Classification Sherloc (09022015). Collection method: clinical testing. Allele origin: germline.

Blueprint Genetics
Classification: Likely benign. Last evaluated: 2024-11-26. Review status: criteria provided, single submitter. Criteria: ACMG Guidelines, 2015. Collection method: clinical testing. Allele origin: germline.

GeneDx
Classification: Benign. Last evaluated: 2021-06-15. Review status: criteria provided, single submitter. Criteria: GeneDx Variant Classification Process June 2021. Collection method: clinical testing. Allele origin: germline. Affected: yes.
Comment: This variant is associated with the following publications: (PMID: 23534816)

Illumina Laboratory Services, Illumina
Classification: Uncertain significance for Cone-rod dystrophy 9. Last evaluated: 2017-04-27. Review status: criteria provided, single submitter. Criteria: ICSL Variant Classification Criteria 13 December 2019. Collection method: clinical testing. Allele origin: germline.

Eurofins Ntd Llc (ga)
Classification: Likely benign. Last evaluated: 2016-11-21. Review status: criteria provided, single submitter. Criteria: EGL Classification Definitions 2015. Collection method: clinical testing. Allele origin: germline. Observed: 1 variant allele, 1 heterozygote.

PreventionGenetics, part of Exact Sciences
Classification: Likely benign for ADAM9-related condition. Last evaluated: 2022-10-07. Review status: no assertion criteria provided. Collection method: clinical testing. Allele origin: germline. Not counted in ClinVar's aggregate classification.
Comment: This variant is classified as likely benign based on ACMG/AMP sequence variant interpretation guidelines (Richards et al. 2015 PMID: 25741868, with internal and published modifications).

NM_003816.3(ADAM9):c.280G>A (p.Val94Ile)

Gene: ADAM9 (ADAM metallopeptidase domain 9; plus strand). Cytogenetic location: 8p11.22.
Variant type: single nucleotide variant.
Coding change: c.280G>A on transcript NM_003816.3 (MANE Select); coding-DNA position 280, G replaced by A.
Protein change: p.Val94Ile; replaces valine 94 with isoleucine.
Molecular consequence: missense variant. On other transcripts: non-coding transcript variant (3).
Genome position (GRCh38, 1-based): chr8:39,013,990, G>A. VCF-style: chr8-39013990-G-A. GRCh37 (hg19) VCF-style: chr8-38871509-G-A.
Other names: short protein forms V94I.
Identifiers: ClinVar variation 388305 (VCV000388305.23), dbSNP rs146980702, ClinGen allele CA4721273.